The following is an entry in ClinVar:

ClinVar aggregate classification (germline): Uncertain significance (1 of 4 stars; one submission).

Conditions:
MEGF8-related Carpenter syndrome. Also called: Carpenter syndrome 2. Identifiers: Orphanet 65759, MedGen C3554247, MONDO:0013998, OMIM 614976.

Submission:

Labcorp Genetics (formerly Invitae), Labcorp
Classification: Uncertain significance for MEGF8-related Carpenter syndrome. Last evaluated: 2023-08-04. Review status: criteria provided, single submitter. Criteria: Invitae Variant Classification Sherloc (09022015). Collection method: clinical testing. Allele origin: germline.
Comment: In summary, the available evidence is currently insufficient to determine the role of this variant in disease. Therefore, it has been classified as a Variant of Uncertain Significance. Algorithms developed to predict the effect of sequence changes on RNA splicing suggest that this variant may disrupt the consensus splice site. An algorithm developed to predict the effect of missense changes on protein structure and function (PolyPhen-2) suggests that this variant is likely to be disruptive. ClinVar contains an entry for this variant (Variation ID: 1926931). This variant has not been reported in the literature in individuals affected with MEGF8-related conditions. This variant is not present in population databases (gnomAD no frequency). This sequence change replaces serine, which is neutral and polar, with arginine, which is basic and polar, at codon 569 of the MEGF8 protein (p.Ser569Arg).

NM_001271938.2(MEGF8):c.1707C>G (p.Ser569Arg)

Gene: MEGF8 (multiple EGF like domains 8; plus strand). Cytogenetic location: 19q13.2.
Variant type: single nucleotide variant.
Coding change: c.1707C>G on transcript NM_001271938.2 (MANE Select); coding-DNA position 1707, C replaced by G.
Protein change: p.Ser569Arg; replaces serine 569 with arginine.
Molecular consequence: missense variant.
Genome position (GRCh38, 1-based): chr19:42,343,992, C>G. VCF-style: chr19-42343992-C-G. GRCh37 (hg19) VCF-style: chr19-42848144-C-G.
Other names: c.1707C>G, p.Ser569Arg (NM_001410.3); short protein forms S569R.
Identifiers: ClinVar variation 1926931 (VCV001926931.5), dbSNP rs201780276, ClinGen allele CA406092562.
Genomic context (GRCh38, chr19:42,343,992, plus strand): 5'-CTGTCCCCTTGCCTCCCTGCAGTACCACTTGGACTACTGCTCCATGTACACAGACCACAG[C>G]GTCTGCTCCCGGGACCCGGAATGCAGTTGGTGCCAAGGAGCCTGCCAAGCTGCACCCCCT-3'
Protein context (NP_001258867.1, residues 559-579): LDYCSMYTDH[Ser569Arg]VCSRDPECSW